The following is an entry in ClinVar:

NC_012920.1(MT-ND5):m.13246T>C

Gene: MT-ND5 (mitochondrially encoded NADH dehydrogenase 5; plus strand).
Variant type: single nucleotide variant.
Genome position: chrM-13246-T-C.
Identifiers: ClinVar variation 693539 (VCV000693539.1), dbSNP rs1556424250, ClinGen allele CA414817131.

ClinVar aggregate classification (germline): Uncertain significance (1 of 4 stars; one submission).

Conditions:
Leigh syndrome (NULS). Also called: Leigh's necrotizing encephalopathy; Leigh's disease; Leigh Syndrome (mtDNA deletion); Leigh Disease; Subacute necrotizing encephalopathy; Necrotizing encephalopathy infantile subacute of Leigh. Identifiers: Orphanet 506, MedGen C2931891, MONDO:0009723, OMIM 256000.

Submission:

Wong Mito Lab, Molecular and Human Genetics, Baylor College of Medicine
Classification: Uncertain significance for Leigh syndrome. Last evaluated: 2019-10-17. Review status: criteria provided, single submitter. Criteria: Modified ACMG Guidelines (Unpublished). Collection method: clinical testing. Allele origin: germline.
Comment: The NC_012920.1:m.13246T>C (YP_003024036.1:p.Phe304Leu) variant in MTND5 gene is interpretated to be a Uncertain Significance variant based on the modified ACMG guidelines (unpublished). This variant meets the following evidence codes: PP4